The following is an entry in ClinVar:

ClinVar aggregate classification (germline): Uncertain significance (1 of 4 stars; one submission).

gnomAD v4.1: 5 of 1,613,620 alleles (0.00031%); highest among the groups gnomAD compares: Non-Finnish European, 0.00042%; no homozygotes.

Submission:

Labcorp Genetics (formerly Invitae), Labcorp
Classification: Uncertain significance. Last evaluated: 2024-09-02. Review status: criteria provided, single submitter. Criteria: Invitae Variant Classification Sherloc (09022015). Collection method: clinical testing. Allele origin: germline.
Comment: This sequence change falls in intron 27 of the ABCA3 gene. It does not directly change the encoded amino acid sequence of the ABCA3 protein. It affects a nucleotide within the consensus splice site. This variant is present in population databases (no rsID available, gnomAD 0.0009%). This variant has not been reported in the literature in individuals affected with ABCA3-related conditions. Variants that disrupt the consensus splice site are a relatively common cause of aberrant splicing (PMID: 17576681, 9536098). Algorithms developed to predict the effect of sequence changes on RNA splicing suggest that this variant is not likely to affect RNA splicing. In summary, the available evidence is currently insufficient to determine the role of this variant in disease. Therefore, it has been classified as a Variant of Uncertain Significance.

Literature cited by the submitters: PubMed 17576681; PubMed 9536098.

NM_001089.3(ABCA3):c.4164+5C>T

Gene: ABCA3 (ATP binding cassette subfamily A member 3; minus strand). Cytogenetic location: 16p13.3.
Variant type: single nucleotide variant.
Coding change: c.4164+5C>T on transcript NM_001089.3 (MANE Select); 5 bases into the intron after coding-DNA position 4164, C replaced by T.
Molecular consequence: intron variant.
Genome position (GRCh38, 1-based): chr16:2,281,376, G>A on the plus strand (C>T on the coding strand, the complement: ABCA3 is on the minus strand). VCF-style: chr16-2281376-G-A. GRCh37 (hg19) VCF-style: chr16-2331377-G-A.
Identifiers: ClinVar variation 3615498 (VCV003615498.2).